The following is an entry in ClinVar:

NM_014495.4(ANGPTL3):c.994C>T (p.Arg332Ter)

Genes: ANGPTL3 (angiopoietin like 3; plus strand), DOCK7 (dedicator of cytokinesis 7; minus strand). Cytogenetic location: 1p31.3.
Variant type: single nucleotide variant.
Coding change: c.994C>T on transcript NM_014495.4 (MANE Select); coding-DNA position 994, C replaced by T.
Protein change: p.Arg332Ter; replaces arginine 332 with a stop codon.
Molecular consequence: nonsense. On other transcripts: intron variant (7).
Genome position (GRCh38, 1-based): chr1:62,604,031, C>T. VCF-style: chr1-62604031-C-T. GRCh37 (hg19) VCF-style: chr1-63069702-C-T.
Other names: c.1682+14675G>A (NM_001272001.2, NM_001272000.2, NM_033407.4 and 4 more transcripts); short protein forms R332*.
Identifiers: ClinVar variation 4694450 (VCV004694450.1).

ClinVar aggregate classification (germline): Pathogenic (1 of 4 stars; one submission).

gnomAD v4.1: 7 of 1,612,654 alleles (0.00043%); highest among the groups gnomAD compares: African/African-American, 0.0013%; no homozygotes.

Submission:

Labcorp Genetics (formerly Invitae), Labcorp
Classification: Pathogenic. Last evaluated: 2025-03-07. Review status: criteria provided, single submitter. Criteria: Invitae Variant Classification Sherloc (09022015). Collection method: clinical testing. Allele origin: germline.
Comment: This sequence change creates a premature translational stop signal (p.Arg332*) in the ANGPTL3 gene. It is expected to result in an absent or disrupted protein product. Loss-of-function variants in ANGPTL3 are known to be pathogenic (PMID: 22247256, 24058201). This variant is not present in population databases (gnomAD no frequency). This premature translational stop signal has been observed in individual(s) with ANGPTL3-related conditions (PMID: 36325899). For these reasons, this variant has been classified as Pathogenic.

Literature cited by the submitters: PubMed 22247256; PubMed 24058201; PubMed 36325899.